The following is an entry in ClinVar:

ClinVar aggregate classification (germline): Uncertain significance (1 of 4 stars; one submission).

Submission:

Labcorp Genetics (formerly Invitae), Labcorp
Classification: Uncertain significance. Last evaluated: 2022-07-21. Review status: criteria provided, single submitter. Criteria: Invitae Variant Classification Sherloc (09022015). Collection method: clinical testing. Allele origin: germline.
Comment: Algorithms developed to predict the effect of missense changes on protein structure and function (SIFT, PolyPhen-2, Align-GVGD) all suggest that this variant is likely to be tolerated. This variant has not been reported in the literature in individuals affected with CLCN4-related conditions. This variant is not present in population databases (gnomAD no frequency). This sequence change replaces glutamine, which is neutral and polar, with lysine, which is basic and polar, at codon 724 of the CLCN4 protein (p.Gln724Lys). In summary, the available evidence is currently insufficient to determine the role of this variant in disease. Therefore, it has been classified as a Variant of Uncertain Significance.

NM_001830.4(CLCN4):c.2170C>A (p.Gln724Lys)

Gene: CLCN4 (chloride voltage-gated channel 4; plus strand). Cytogenetic location: Xp22.2.
Variant type: single nucleotide variant.
Coding change: c.2170C>A on transcript NM_001830.4 (MANE Select); coding-DNA position 2170, C replaced by A.
Protein change: p.Gln724Lys; replaces glutamine 724 with lysine.
Molecular consequence: missense variant.
Genome position (GRCh38, 1-based): chrX:10,220,855, C>A. VCF-style: chrX-10220855-C-A. GRCh37 (hg19) VCF-style: chrX-10188895-C-A.
Other names: c.1888C>A, p.Gln630Lys (NM_001256944.2); short protein forms Q630K, Q724K.
Identifiers: ClinVar variation 2003405 (VCV002003405.4), dbSNP rs2518893137, ClinGen allele CA412044908.